The following is an entry in ClinVar:

NM_001204.7(BMPR2):c.189dup (p.Ser64Ter)

Gene: BMPR2 (bone morphogenetic protein receptor type 2; plus strand). Cytogenetic location: 2q33.1.
Variant type: Duplication.
Coding change: c.189dup on transcript NM_001204.7 (MANE Select); coding-DNA position 189, one base duplicated (T; older notation c.189dupT).
Protein change: p.Ser64Ter; replaces serine 64 with a stop codon.
Molecular consequence: nonsense.
Genome position (GRCh38, 1-based): chr2:202,464,921, T duplicated. VCF-style (leftmost placement, unchanged base first): chr2-202464920-G-GT. GRCh37 (hg19) VCF-style: chr2-203329643-G-GT.
Other names: c.189_190insT (NM_001204.7); short protein forms S64*.
Identifiers: ClinVar variation 1706632 (VCV001706632.2), dbSNP rs2469639019, ClinGen allele CA2580065450.
Genomic context (GRCh38, chr2:202,464,920, plus strand): 5'-ACCTTGGGATAGGTGAGAGTAGAATCTCTCATGAAAATGGGACAATATTATGCTCGAAAG[G>GT]TAGCACCTGCTATGGCCTTTGGGAGAAATCAAAAGGGGACATAAATCTTGTAAAACAAGG-3'

ClinVar aggregate classification (germline): Pathogenic. Review status: criteria provided, single submitter (1 of 4 stars). 2 submissions from 2 submitters: Pathogenic (1). 1 of the submissions does not count toward it. Last evaluated 2025-04-13.

Conditions:
Primary pulmonary hypertension. Also called: Idiopathic pulmonary hypertension. Identifiers: MedGen C0152171.
Pulmonary arterial hypertension. Identifiers: Orphanet 182090, MedGen C2973725, MeSH D000081029, MONDO:0015924, HP:0002092.

Submissions (2):

Labcorp Genetics (formerly Invitae), Labcorp
Classification: Pathogenic for Primary pulmonary hypertension. Last evaluated: 2025-04-13. Review status: criteria provided, single submitter. Criteria: Invitae Variant Classification Sherloc (09022015). Collection method: clinical testing. Allele origin: germline.
Comment: This sequence change creates a premature translational stop signal (p.Ser64*) in the BMPR2 gene. It is expected to result in an absent or disrupted protein product. Loss-of-function variants in BMPR2 are known to be pathogenic (PMID: 16429395). This variant is not present in population databases (gnomAD no frequency). This variant has not been reported in the literature in individuals affected with BMPR2-related conditions. ClinVar contains an entry for this variant (Variation ID: 1706632). For these reasons, this variant has been classified as Pathogenic.

John Welsh Cardiovascular Diagnostic Laboratory, Baylor College of Medicine
Classification: Pathogenic for Pulmonary arterial hypertension. Last evaluated: 2022-09-26. Review status: no assertion criteria provided. Criteria: ACMG Guidelines, 2015. Collection method: clinical testing. Allele origin: germline. Affected: yes. Not counted in ClinVar's aggregate classification.

Literature cited by the submitters: PubMed 16429395 (cited by Labcorp Genetics (formerly Invitae), Labcorp).